The following is an entry in ClinVar:

ClinVar aggregate classification (germline): Uncertain significance (1 of 4 stars; one submission).

Allele frequency attached by ClinVar (database versions not stated): gnomAD exomes below 0.00001.
gnomAD v4.1: 1 of 1,614,028 alleles (0.000062%); highest among the groups gnomAD compares: Non-Finnish European, 0.000085%; no homozygotes.

Submission:

Ambry Genetics
Classification: Uncertain significance. Last evaluated: 2022-04-05. Review status: criteria provided, single submitter. Criteria: Ambry Variant Classification Scheme 2023. Collection method: clinical testing. Allele origin: germline.
Comment: The p.P373S variant (also known as c.1117C>T), located in coding exon 3 of the EGLN1 gene, results from a C to T substitution at nucleotide position 1117. The proline at codon 373 is replaced by serine, an amino acid with similar properties. This amino acid position is conserved. In addition, this alteration is predicted to be deleterious by in silico analysis. Since supporting evidence is limited at this time, the clinical significance of this alteration remains unclear.

NM_022051.3(EGLN1):c.1117C>T (p.Pro373Ser)

Gene: EGLN1 (egl-9 family hypoxia inducible factor 1; minus strand). Cytogenetic location: 1q42.2.
Variant type: single nucleotide variant.
Coding change: c.1117C>T on transcript NM_022051.3 (MANE Select); coding-DNA position 1117, C replaced by T.
Protein change: p.Pro373Ser; replaces proline 373 with serine.
Molecular consequence: missense variant. On other transcripts: intron variant (1).
Genome position (GRCh38, 1-based): chr1:231,370,593, G>A on the plus strand (C>T on the coding strand, the complement: EGLN1 is on the minus strand). VCF-style: chr1-231370593-G-A. GRCh37 (hg19) VCF-style: chr1-231506339-G-A.
Other names: c.1117C>T, p.Pro373Ser (NM_001377260.1); c.1012-2957C>T (NM_001377261.1); short protein forms P373S.
Identifiers: ClinVar variation 1796546 (VCV001796546.2), dbSNP rs2527228233, ClinGen allele CA345240165.